The following is an entry in ClinVar:

ClinVar aggregate classification (germline): Uncertain significance. Review status: criteria provided, multiple submitters, no conflicts (2 of 4 stars). 2 submissions from 2 submitters: Uncertain significance (2). Last evaluated 2023-01-16.

Conditions:
Inborn genetic diseases. Identifiers: MedGen C0950123, MeSH D030342.

Allele frequency attached by ClinVar (database versions not stated): gnomAD exomes 0.00001 and 0.00002; ExAC 0.00002; gnomAD 0.00002; TOPMed 0.00002.
gnomAD v4.1: 38 of 1,612,864 alleles (0.0024%); highest among the groups gnomAD compares: Non-Finnish European, 0.003%; no homozygotes.

Submissions (2):

Ambry Genetics
Classification: Uncertain significance for Inborn genetic diseases. Last evaluated: 2023-01-16. Review status: criteria provided, single submitter. Criteria: Ambry Variant Classification Scheme 2023. Collection method: clinical testing. Allele origin: germline.
Comment: The p.N1024S variant (also known as c.3071A>G), located in coding exon 15 of the ATR gene, results from an A to G substitution at nucleotide position 3071. The asparagine at codon 1024 is replaced by serine, an amino acid with highly similar properties. This amino acid position is conserved. In addition, this alteration is predicted to be tolerated by in silico analysis. Since supporting evidence is limited at this time, the clinical significance of this alteration remains unclear.

Labcorp Genetics (formerly Invitae), Labcorp
Classification: Uncertain significance. Last evaluated: 2022-09-13. Review status: criteria provided, single submitter. Criteria: Invitae Variant Classification Sherloc (09022015). Collection method: clinical testing. Allele origin: germline.
Comment: In summary, the available evidence is currently insufficient to determine the role of this variant in disease. Therefore, it has been classified as a Variant of Uncertain Significance. Algorithms developed to predict the effect of missense changes on protein structure and function output the following: SIFT: "Tolerated"; PolyPhen-2: "Benign"; Align-GVGD: "Class C0". The serine amino acid residue is found in multiple mammalian species, which suggests that this missense change does not adversely affect protein function. ClinVar contains an entry for this variant (Variation ID: 1058552). This variant has not been reported in the literature in individuals affected with ATR-related conditions. This variant is present in population databases (rs765651974, gnomAD 0.004%). This sequence change replaces asparagine, which is neutral and polar, with serine, which is neutral and polar, at codon 1024 of the ATR protein (p.Asn1024Ser).

NM_001184.4(ATR):c.3071A>G (p.Asn1024Ser)

Gene: ATR (ATR checkpoint kinase; minus strand). Cytogenetic location: 3q23.
Variant type: single nucleotide variant.
Coding change: c.3071A>G on transcript NM_001184.4 (MANE Select); coding-DNA position 3071, A replaced by G.
Protein change: p.Asn1024Ser; replaces asparagine 1024 with serine.
Molecular consequence: missense variant.
Genome position (GRCh38, 1-based): chr3:142,549,579, T>C on the plus strand (A>G on the coding strand, the complement: ATR is on the minus strand). VCF-style: chr3-142549579-T-C. GRCh37 (hg19) VCF-style: chr3-142268421-T-C.
Other names: c.2879A>G, p.Asn960Ser (NM_001354579.2); c.3071A>G (NM_001184.3); short protein forms N1024S, N960S.
Identifiers: ClinVar variation 1058552 (VCV001058552.8), dbSNP rs765651974, ClinGen allele CA2650209.